The following is an entry in ClinVar:

NM_001649.4(SHROOM2):c.2889G>A (p.Pro963=)

Gene: SHROOM2 (shroom family member 2; plus strand). Cytogenetic location: Xp22.2.
Variant type: single nucleotide variant.
Coding change: c.2889G>A on transcript NM_001649.4 (MANE Select); coding-DNA position 2889, G replaced by A.
Protein change: p.Pro963=; no amino-acid change (proline 963 retained).
Molecular consequence: synonymous variant.
Genome position (GRCh38, 1-based): chrX:9,898,288, G>A. VCF-style: chrX-9898288-G-A. GRCh37 (hg19) VCF-style: chrX-9866328-G-A.
Identifiers: ClinVar variation 3042069 (VCV003042069.2), dbSNP rs61750846, ClinGen allele CA10345644.
Genomic context (GRCh38, chrX:9,898,288, plus strand): 5'-CGGCGAGCCCAGAGAAGAGCTTCCCTCCGCAGTCCGGGCCGAGGAGGGACAGTCCACGCC[G>A]AGGTGGGTGAAATTTGGATTCAGAGTTACTGAAGAGGCGTCTGAGGGTGGGCTTCTGTAC-3'
Protein context (NP_001640.1, residues 953-973): AVRAEEGQST[Pro963=]RQADAQCREG

ClinVar aggregate classification (germline): Benign (0 of 4 stars; one submission).

Conditions:
SHROOM2-related disorder. Also called: SHROOM2-related condition.

Allele frequency attached by ClinVar (database versions not stated): gnomAD exomes 0.00059; 1000 Genomes Project 0.00503; ExAC 0.00509; 1000 Genomes Project 30x 0.00562; gnomAD 0.00593; TOPMed 0.00646; ESP Exome Variant Server 0.00795.
gnomAD v4.1: 1,310 of 1,156,701 alleles (0.11%); highest among the groups gnomAD compares: African/African-American, 2.1%; 13 homozygotes.

Submission:

PreventionGenetics, part of Exact Sciences
Classification: Benign for SHROOM2-related condition. Last evaluated: 2019-11-07. Review status: no assertion criteria provided. Collection method: clinical testing. Allele origin: germline.
Comment: This variant is classified as benign based on ACMG/AMP sequence variant interpretation guidelines (Richards et al. 2015 PMID: 25741868, with internal and published modifications).